The following is an entry in ClinVar:

NM_006206.6(PDGFRA):c.2395A>G (p.Thr799Ala)

Gene: PDGFRA (platelet derived growth factor receptor alpha; plus strand). Cytogenetic location: 4q12.
Variant type: single nucleotide variant.
Coding change: c.2395A>G on transcript NM_006206.6 (MANE Select); coding-DNA position 2395, A replaced by G.
Protein change: p.Thr799Ala; replaces threonine 799 with alanine.
Molecular consequence: missense variant.
Genome position (GRCh38, 1-based): chr4:54,285,442, A>G. VCF-style: chr4-54285442-A-G. GRCh37 (hg19) VCF-style: chr4-55151609-A-G.
Other names: c.2395A>G (NM_006206.4); c.2470A>G, p.Thr824Ala (NM_001347828.2); c.2395A>G, p.Thr799Ala (NM_001347829.2); c.2434A>G, p.Thr812Ala (NM_001347830.2); short protein forms T812A, T799A, T824A.
Identifiers: ClinVar variation 1432693 (VCV001432693.9), dbSNP rs1221831022, ClinGen allele CA356894736.

ClinVar aggregate classification (germline): Uncertain significance. Review status: criteria provided, multiple submitters, no conflicts (2 of 4 stars). 2 submissions from 2 submitters: Uncertain significance (2). Last evaluated 2024-03-08.

Conditions:
Gastrointestinal stromal tumor. Also called: Gastrointestinal stroma tumor; Gastrointestinal stromal tumor, somatic. Identifiers: Orphanet 44890, MedGen C0238198, MeSH D046152, MONDO:0011719, OMIM 606764, HP:0100723.
Hereditary cancer-predisposing syndrome. Also called: Hereditary neoplastic syndrome; Tumor predisposition; Hereditary Cancer Syndrome; Neoplastic Syndromes, Hereditary. Identifiers: Orphanet 140162, MedGen C0027672, MeSH D009386, MONDO:0015356.

Allele frequency attached by ClinVar (database versions not stated): gnomAD exomes below 0.00001.

Submissions (2):

Labcorp Genetics (formerly Invitae), Labcorp
Classification: Uncertain significance for Gastrointestinal stromal tumor. Last evaluated: 2024-03-08. Review status: criteria provided, single submitter. Criteria: Invitae Variant Classification Sherloc (09022015). Collection method: clinical testing. Allele origin: germline.
Comment: This sequence change replaces threonine, which is neutral and polar, with alanine, which is neutral and non-polar, at codon 799 of the PDGFRA protein (p.Thr799Ala). This variant is present in population databases (no rsID available, gnomAD 0.0009%). This variant has not been reported in the literature in individuals affected with PDGFRA-related conditions. ClinVar contains an entry for this variant (Variation ID: 1432693). Advanced modeling of protein sequence and biophysical properties (such as structural, functional, and spatial information, amino acid conservation, physicochemical variation, residue mobility, and thermodynamic stability) has been performed at Invitae for this missense variant, however the output from this modeling did not meet the statistical confidence thresholds required to predict the impact of this variant on PDGFRA protein function. In summary, the available evidence is currently insufficient to determine the role of this variant in disease. Therefore, it has been classified as a Variant of Uncertain Significance.

Ambry Genetics
Classification: Uncertain significance for Hereditary cancer-predisposing syndrome. Last evaluated: 2023-11-03. Review status: criteria provided, single submitter. Criteria: Ambry Variant Classification Scheme 2023. Collection method: clinical testing. Allele origin: germline.
Comment: The p.T799A variant (also known as c.2395A>G), located in coding exon 16 of the PDGFRA gene, results from an A to G substitution at nucleotide position 2395. The threonine at codon 799 is replaced by alanine, an amino acid with similar properties. This amino acid position is conserved. In addition, the in silico prediction for this alteration is inconclusive. Since supporting evidence is limited at this time, the clinical significance of this alteration remains unclear.